The following is an entry in ClinVar:

ClinVar aggregate classification (germline): Uncertain significance. Review status: criteria provided, multiple submitters, no conflicts (2 of 4 stars). 2 submissions from 2 submitters: Uncertain significance (2). Last evaluated 2024-06-03.

Conditions:
Cardiomyopathy (CMYO). Also called: Cardiomyopathies. Identifiers: Orphanet 167848, MedGen C0878544, MONDO:0004994, HP:0001638. Inheritance: Various modes of inheritance.
Catecholaminergic polymorphic ventricular tachycardia 1. Also called: VENTRICULAR TACHYCARDIA, CATECHOLAMINERGIC POLYMORPHIC, 1, WITH OR WITHOUT ATRIAL DYSFUNCTION AND/OR DILATED CARDIOMYOPATHY; RYR2-Related Catecholaminergic Polymorphic Ventricular Tachycardia; VENTRICULAR TACHYCARDIA, STRESS-INDUCED POLYMORPHIC 1. Identifiers: Orphanet 3286, MedGen C1631597, MONDO:0011484, OMIM 604772.

gnomAD v4.1: 1 of 1,613,232 alleles (0.000062%); highest among the groups gnomAD compares: South Asian, 0.0011%; no homozygotes.

Submissions (2):

Labcorp Genetics (formerly Invitae), Labcorp
Classification: Uncertain significance for Catecholaminergic polymorphic ventricular tachycardia 1. Last evaluated: 2024-06-03. Review status: criteria provided, single submitter. Criteria: Invitae Variant Classification Sherloc (09022015). Collection method: clinical testing. Allele origin: germline.
Comment: This sequence change replaces glycine, which is neutral and non-polar, with aspartic acid, which is acidic and polar, at codon 1524 of the RYR2 protein (p.Gly1524Asp). This variant is not present in population databases (gnomAD no frequency). This variant has not been reported in the literature in individuals affected with RYR2-related conditions. ClinVar contains an entry for this variant (Variation ID: 924002). Advanced modeling of protein sequence and biophysical properties (such as structural, functional, and spatial information, amino acid conservation, physicochemical variation, residue mobility, and thermodynamic stability) performed at Invitae indicates that this missense variant is not expected to disrupt RYR2 protein function with a negative predictive value of 95%. In summary, the available evidence is currently insufficient to determine the role of this variant in disease. Therefore, it has been classified as a Variant of Uncertain Significance.

Color Diagnostics, LLC DBA Color Health
Classification: Uncertain significance for Cardiomyopathy. Last evaluated: 2024-03-07. Review status: criteria provided, single submitter. Criteria: ACMG Guidelines, 2015. Collection method: clinical testing. Allele origin: germline.
Comment: This missense variant replaces glycine with aspartic acid at codon 1524 of the RYR2 protein. Computational prediction is inconclusive regarding the impact of this variant on protein structure and function (internally defined REVEL score threshold 0.5 < inconclusive < 0.7, PMID: 27666373). To our knowledge, functional studies have not been reported for this variant. This variant has not been reported in individuals affected with cardiovascular disorders in the literature. This variant has not been identified in the general population by the Genome Aggregation Database (gnomAD). The available evidence is insufficient to determine the role of this variant in disease conclusively. Therefore, this variant is classified as a Variant of Uncertain Significance.

NM_001035.3(RYR2):c.4571G>A (p.Gly1524Asp)

Gene: RYR2 (ryanodine receptor 2; plus strand). Cytogenetic location: 1q43.
Variant type: single nucleotide variant.
Coding change: c.4571G>A on transcript NM_001035.3 (MANE Select); coding-DNA position 4571, G replaced by A.
Protein change: p.Gly1524Asp; replaces glycine 1524 with aspartic acid.
Molecular consequence: missense variant.
Genome position (GRCh38, 1-based): chr1:237,595,632, G>A. VCF-style: chr1-237595632-G-A. GRCh37 (hg19) VCF-style: chr1-237758932-G-A.
Other names: short protein forms G1524D.
Identifiers: ClinVar variation 924002 (VCV000924002.6), dbSNP rs1675809815, ClinGen allele CA345400664.